The following is an entry in ClinVar:

NM_014874.4(MFN2):c.1538T>C (p.Ile513Thr)

Gene: MFN2 (mitofusin 2; plus strand). Cytogenetic location: 1p36.22.
Variant type: single nucleotide variant.
Coding change: c.1538T>C on transcript NM_014874.4 (MANE Select); coding-DNA position 1538, T replaced by C.
Protein change: p.Ile513Thr; replaces isoleucine 513 with threonine.
Molecular consequence: missense variant.
Genome position (GRCh38, 1-based): chr1:12,005,753, T>C. VCF-style: chr1-12005753-T-C. GRCh37 (hg19) VCF-style: chr1-12065810-T-C.
Other names: c.1538T>C, p.Ile513Thr (NM_001127660.2); short protein forms I513T.
Identifiers: ClinVar variation 3693242 (VCV003693242.2).

ClinVar aggregate classification (germline): Uncertain significance (1 of 4 stars; one submission).

Conditions:
Charcot-Marie-Tooth disease type 2. Also called: Charcot-Marie-Tooth type 2. Identifiers: Orphanet 64746, MedGen C0270914, MONDO:0018993.

gnomAD v4.1: 1 of 1,614,226 alleles (0.000062%); highest among the groups gnomAD compares: Non-Finnish European, 0.000085%; no homozygotes.

Submission:

Labcorp Genetics (formerly Invitae), Labcorp
Classification: Uncertain significance for Charcot-Marie-Tooth disease type 2. Last evaluated: 2024-06-04. Review status: criteria provided, single submitter. Criteria: Invitae Variant Classification Sherloc (09022015). Collection method: clinical testing. Allele origin: germline.
Comment: This sequence change replaces isoleucine, which is neutral and non-polar, with threonine, which is neutral and polar, at codon 513 of the MFN2 protein (p.Ile513Thr). This variant is not present in population databases (gnomAD no frequency). This variant has not been reported in the literature in individuals affected with MFN2-related conditions. Advanced modeling of protein sequence and biophysical properties (such as structural, functional, and spatial information, amino acid conservation, physicochemical variation, residue mobility, and thermodynamic stability) performed at Invitae indicates that this missense variant is not expected to disrupt MFN2 protein function with a negative predictive value of 80%. In summary, the available evidence is currently insufficient to determine the role of this variant in disease. Therefore, it has been classified as a Variant of Uncertain Significance.